The following is an entry in ClinVar:

NM_001163629.2(MROH9):c.1596+120A>G

Gene: MROH9 (maestro heat like repeat family member 9; plus strand). Cytogenetic location: 1q24.3.
Variant type: single nucleotide variant.
Coding change: c.1596+120A>G on transcript NM_001163629.2 (MANE Select); 120 bases into the intron after coding-DNA position 1596, A replaced by G.
Molecular consequence: intron variant. On other transcripts: synonymous variant (1).
Genome position (GRCh38, 1-based): chr1:170,998,394, A>G. VCF-style: chr1-170998394-A-G. GRCh37 (hg19) VCF-style: chr1-170967535-A-G.
Other names: c.1716A>G, p.Arg572= (NM_025063.4).
Identifiers: ClinVar variation 3898607 (VCV003898607.7).

ClinVar aggregate classification (germline): Likely benign (1 of 4 stars; one submission).

Submission:

CeGaT Center for Human Genetics Tuebingen
Classification: Likely benign. Last evaluated: 2025-04-01. Review status: criteria provided, single submitter. Criteria: CeGaT Center For Human Genetics Tuebingen Variant Classification Criteria Version 2. Collection method: clinical testing. Allele origin: germline. Affected: yes. Observed: 1 variant allele.
Comment: MROH9: PM2:Supporting, BP4, BP7